The following is an entry in ClinVar:

NM_153676.4(USH1C):c.1163_1166del (p.Lys388fs)

Gene: USH1C (USH1 protein network component harmonin; minus strand). Cytogenetic location: 11p15.1.
Variant type: Deletion.
Coding change: c.1163_1166del on transcript NM_153676.4 (MANE Select); coding-DNA positions 1163 to 1166, 4 bases deleted (AAAC; older notation c.1163_1166delAAAC).
Protein change: p.Lys388fs; shifts the reading frame from lysine 388.
Molecular consequence: frameshift variant. On other transcripts: non-coding transcript variant (1).
Genome position (GRCh38, 1-based): chr11:17,520,914-17,520,917, GTTT deleted on the plus strand (AAAC on the coding strand, the reverse complement: USH1C is on the minus strand). VCF-style (leftmost placement, unchanged base first): chr11-17520913-GGTTT-G. GRCh37 (hg19) VCF-style: chr11-17542460-GGTTT-G.
Other names: c.1106_1109del, p.Lys369fs (NM_001297764.2); c.1196_1199del, p.Lys399fs (NM_001440679.1, NM_001440684.1); c.1163_1166del, p.Lys388fs (NM_001440680.1, NM_001440681.1, NM_001440682.1 and 4 more transcripts); c.1139_1142del, p.Lys380fs (NM_001440686.1); short protein forms K369fs, K380fs, K388fs, K399fs.
Identifiers: ClinVar variation 5013771 (VCV005013771.1).
Genomic context (GRCh38, chr11:17,520,913, plus strand): 5'-CGGCTCATGAAACTTACACTTTGGCTTGCGAAGGGGTACTGGGTGTACCTCAGCAGTGAT[GGTTT>G]TAGGCAAGAGTAGCTGTTCCTTTGAGCCCCAGTCTTCTTCCCATTGCTTCTTAAACTTCT-3'

ClinVar aggregate classification (germline): Pathogenic (1 of 4 stars; one submission).

Conditions:
Usher syndrome type 1C. Also called: USHER SYNDROME, TYPE I, ACADIAN VARIETY. Identifiers: Orphanet 231169, Orphanet 886, MedGen C1848604, MONDO:0010171, OMIM 276904.

Submission:

Myriad Genetics, Inc.
Classification: Pathogenic for Usher syndrome type 1C. Last evaluated: 2024-11-20. Review status: criteria provided, single submitter. Criteria: Myriad Autosomal Dominant, Autosomal Recessive and X-Linked Classification Criteria (2023). Collection method: clinical testing. Allele origin: unknown.
Comment: NM_005709.3(USH1C):c.1163_1166delAAAC(K388Tfs*76) is expected to be pathogenic in the context of USH1C-related disorders. This variant is predicted to lead to an abnormal or absent protein product due to the creation of a premature termination codon in USH1C, a gene where loss-of-function variants are known to be pathogenic. Please note: this variant was assessed in the context of healthy population screening.